The following is an entry in ClinVar:

NM_004656.4(BAP1):c.160G>A (p.Glu54Lys)

Gene: BAP1 (BRCA1 associated deubiquitinase 1; minus strand). Cytogenetic location: 3p21.1.
Variant type: single nucleotide variant.
Coding change: c.160G>A on transcript NM_004656.4 (MANE Select); coding-DNA position 160, G replaced by A.
Protein change: p.Glu54Lys; replaces glutamic acid 54 with lysine.
Molecular consequence: missense variant.
Genome position (GRCh38, 1-based): chr3:52,408,569, C>T on the plus strand (G>A on the coding strand, the complement: BAP1 is on the minus strand). VCF-style: chr3-52408569-C-T. GRCh37 (hg19) VCF-style: chr3-52442585-C-T.
Other names: short protein forms E54K.
Identifiers: ClinVar variation 819661 (VCV000819661.13), dbSNP rs199564379, ClinGen allele CA74744369.
Genomic context (GRCh38, chr3:52,408,569, plus strand): 5'-CATCAATCACGGACGTATCATCCACCAAGGTAGAGACCTTTCGCCGGGACCGGCGCTCTT[C>T]GATCCATTTGAACAGGAAGATAAATCCATATACAGGGCTGGGGGAAGTAAGGGGCAGAGC-3'
Protein context (NP_004647.1, residues 44-64): YGFIFLFKWI[Glu54Lys]ERRSRRKVST

ClinVar aggregate classification (germline): Uncertain significance. Review status: criteria provided, multiple submitters, no conflicts (2 of 4 stars). 3 submissions from 3 submitters: Uncertain significance (3). Last evaluated 2025-09-14.

Conditions:
BAP1-related tumor predisposition syndrome (TPDS1). Also called: Tumor susceptibility linked to germline BAP1 mutations; BAP1 tumor predisposition syndrome; COMMON Syndrome; TUMOR PREDISPOSITION SYNDROME 1. Identifiers: Orphanet 289539, MedGen C3280492, MONDO:0013692, OMIM 614327.
Hereditary cancer-predisposing syndrome. Also called: Neoplastic Syndromes, Hereditary; Tumor predisposition; Hereditary Cancer Syndrome; Hereditary neoplastic syndrome. Identifiers: Orphanet 140162, MedGen C0027672, MeSH D009386, MONDO:0015356.

Allele frequency attached by ClinVar (database versions not stated): gnomAD exomes below 0.00001; TOPMed below 0.00001; gnomAD 0.00001; 1000 Genomes Project 30x 0.00016; 1000 Genomes Project 0.00020.
gnomAD v4.1: 7 of 1,610,480 alleles (0.00043%); highest among the groups gnomAD compares: East Asian, 0.0022%; no homozygotes.

Submissions (3):

Labcorp Genetics (formerly Invitae), Labcorp
Classification: Uncertain significance for BAP1-related tumor predisposition syndrome. Last evaluated: 2025-09-14. Review status: criteria provided, single submitter. Criteria: Invitae Variant Classification Sherloc (09022015). Collection method: clinical testing. Allele origin: germline.
Comment: This sequence change replaces glutamic acid, which is acidic and polar, with lysine, which is basic and polar, at codon 54 of the BAP1 protein (p.Glu54Lys). The frequency data for this variant in the population databases is considered unreliable, as metrics indicate poor data quality at this position in the gnomAD database. This variant has not been reported in the literature in individuals affected with BAP1-related conditions. ClinVar contains an entry for this variant (Variation ID: 819661). Invitae Evidence Modeling of protein sequence and biophysical properties (such as structural, functional, and spatial information, amino acid conservation, physicochemical variation, residue mobility, and thermodynamic stability) has been performed for this missense variant. However, the output from this modeling did not meet the statistical confidence thresholds required to predict the impact of this variant on BAP1 protein function. In summary, the available evidence is currently insufficient to determine the role of this variant in disease. Therefore, it has been classified as a Variant of Uncertain Significance.

Ambry Genetics
Classification: Uncertain significance for Hereditary cancer-predisposing syndrome. Last evaluated: 2024-09-25. Review status: criteria provided, single submitter. Criteria: Ambry Variant Classification Scheme 2023. Collection method: clinical testing. Allele origin: germline.
Comment: The p.E54K variant (also known as c.160G>A), located in coding exon 4 of the BAP1 gene, results from a G to A substitution at nucleotide position 160. The glutamic acid at codon 54 is replaced by lysine, an amino acid with similar properties. This amino acid position is highly conserved in available vertebrate species. In addition, the in silico prediction for this alteration is inconclusive. Based on the available evidence, the clinical significance of this variant remains unclear.

Baylor Genetics
Classification: Uncertain significance for BAP1-related tumor predisposition syndrome. Last evaluated: 2023-03-20. Review status: criteria provided, single submitter. Criteria: ACMG Guidelines, 2015. Collection method: clinical testing. Allele origin: unknown.